The following is an entry in ClinVar:

ClinVar aggregate classification (germline): Uncertain significance. Review status: criteria provided, multiple submitters, no conflicts (2 of 4 stars). 2 submissions from 2 submitters: Uncertain significance (2). Last evaluated 2026-02-01.

Conditions:
Van Maldergem syndrome 2 (VMLDS2). Identifiers: Orphanet 314679, MedGen C3809875, MONDO:0014242, OMIM 615546.
Hennekam lymphangiectasia-lymphedema syndrome 2 (HKLLS2). Identifiers: Orphanet 2136, MedGen C4014939, MONDO:0014454, OMIM 616006.

Allele frequency attached by ClinVar (database versions not stated): TOPMed below 0.00001; ExAC 0.00001; gnomAD exomes 0.00001; gnomAD 0.00002.
gnomAD v4.1: 11 of 1,613,888 alleles (0.00068%); highest among the groups gnomAD compares: African/African-American, 0.0013%; no homozygotes.

Submissions (2):

Labcorp Genetics (formerly Invitae), Labcorp
Classification: Uncertain significance. Last evaluated: 2026-02-01. Review status: criteria provided, single submitter. Criteria: Invitae Variant Classification Sherloc (09022015). Collection method: clinical testing. Allele origin: germline.
Comment: This sequence change replaces aspartic acid, which is acidic and polar, with tyrosine, which is neutral and polar, at codon 157 of the FAT4 protein (p.Asp157Tyr). This variant is present in population databases (rs759072210, gnomAD 0.003%). This variant has not been reported in the literature in individuals affected with FAT4-related conditions. ClinVar contains an entry for this variant (Variation ID: 1495197). Invitae Evidence Modeling of protein sequence and biophysical properties (such as structural, functional, and spatial information, amino acid conservation, physicochemical variation, residue mobility, and thermodynamic stability) indicates that this missense variant is not expected to disrupt FAT4 protein function with a negative predictive value of 95%. In summary, the available evidence is currently insufficient to determine the role of this variant in disease. Therefore, it has been classified as a Variant of Uncertain Significance.

Fulgent Genetics
Classification: Uncertain significance for Van Maldergem syndrome 2; Hennekam lymphangiectasia-lymphedema syndrome 2. Last evaluated: 2024-05-21. Review status: criteria provided, single submitter. Criteria: ACMG Guidelines, 2015. Collection method: clinical testing. Allele origin: germline.

NM_001291303.3(FAT4):c.469G>T (p.Asp157Tyr)

Gene: FAT4 (FAT atypical cadherin 4; plus strand). Cytogenetic location: 4q28.1.
Variant type: single nucleotide variant.
Coding change: c.469G>T on transcript NM_001291303.3 (MANE Select); coding-DNA position 469, G replaced by T.
Protein change: p.Asp157Tyr; replaces aspartic acid 157 with tyrosine.
Molecular consequence: missense variant.
Genome position (GRCh38, 1-based): chr4:125,316,880, G>T. VCF-style: chr4-125316880-G-T. GRCh37 (hg19) VCF-style: chr4-126238035-G-T.
Other names: c.469G>T, p.Asp157Tyr (NM_001291285.3, NM_024582.6); c.469G>T (NM_024582.5); short protein forms D157Y.
Identifiers: ClinVar variation 1495197 (VCV001495197.5), dbSNP rs759072210, ClinGen allele CA3071813.